The following is an entry in ClinVar:

ClinVar aggregate classification (germline): Uncertain significance (1 of 4 stars; one submission).

Conditions:
Congenital myasthenic syndrome 4A. Also called: Myasthenic syndrome, congenital, 4a, slow-channel; CONGENITAL MYASTHENIC SYNDROME TYPE Ia1; MYASTHENIC SYNDROME, CONGENITAL, 4A, SLOW-CHANNEL, AUTOSOMAL RECESSIVE. Identifiers: Orphanet 590, MedGen C4225413, MONDO:0011600, OMIM 605809.

Submission:

Labcorp Genetics (formerly Invitae), Labcorp
Classification: Uncertain significance for Congenital myasthenic syndrome 4A. Last evaluated: 2024-11-05. Review status: criteria provided, single submitter. Criteria: Invitae Variant Classification Sherloc (09022015). Collection method: clinical testing. Allele origin: germline.
Comment: This sequence change replaces threonine, which is neutral and polar, with lysine, which is basic and polar, at codon 284 of the CHRNE protein (p.Thr284Lys). Information on the frequency of this variant in the gnomAD database is not available, as this variant may be reported differently in the database. This variant has not been reported in the literature in individuals affected with CHRNE-related conditions. ClinVar contains an entry for this variant (Variation ID: 2036524). An algorithm developed to predict the effect of missense changes on protein structure and function (PolyPhen-2) suggests that this variant is likely to be disruptive. This variant disrupts the p.Thr284 amino acid residue in CHRNE. Other variant(s) that disrupt this residue have been determined to be pathogenic (PMID: 7531341; internal data). This suggests that this residue is clinically significant, and that variants that disrupt this residue are likely to be disease-causing. In summary, the available evidence is currently insufficient to determine the role of this variant in disease. Therefore, it has been classified as a Variant of Uncertain Significance.

Literature cited by the submitters: PubMed 7531341.

NM_000080.4(CHRNE):c.851_852delinsAG (p.Thr284Lys)

Genes: CHRNE (cholinergic receptor nicotinic epsilon subunit; minus strand), C17orf107 (chromosome 17 open reading frame 107; plus strand). Cytogenetic location: 17p13.2.
Variant type: Indel.
Coding change: c.851_852delinsAG on transcript NM_000080.4 (MANE Select); coding-DNA positions 851 to 852, CC replaced by AG.
Protein change: p.Thr284Lys; replaces threonine 284 with lysine.
Molecular consequence: missense variant. On other transcripts: 3 prime UTR variant (1).
Genome position (GRCh38, 1-based): chr17:4,900,858-4,900,859, GG replaced by CT on the plus strand (CC replaced by AG on the coding strand, the reverse complement: CHRNE is on the minus strand). VCF-style: chr17-4900858-GG-CT. GRCh37 (hg19) VCF-style: chr17-4804153-GG-CT.
Other names: c.*325_*326delinsCT (NM_001145536.2); short protein forms T284K.
Identifiers: ClinVar variation 2036524 (VCV002036524.4), dbSNP rs2507553283, ClinGen allele CA2580093553.